The following is an entry in ClinVar:

NM_030958.3(SLCO5A1):c.2449G>A (p.Ala817Thr)

Gene: SLCO5A1 (solute carrier organic anion transporter family member 5A1; minus strand). Cytogenetic location: 8q13.3.
Variant type: single nucleotide variant.
Coding change: c.2449G>A on transcript NM_030958.3 (MANE Select); coding-DNA position 2449, G replaced by A.
Protein change: p.Ala817Thr; replaces alanine 817 with threonine.
Molecular consequence: missense variant. On other transcripts: 3 prime UTR variant (1).
Genome position (GRCh38, 1-based): chr8:69,672,967, C>T on the plus strand (G>A on the coding strand, the complement: SLCO5A1 is on the minus strand). VCF-style: chr8-69672967-C-T. GRCh37 (hg19) VCF-style: chr8-70585202-C-T.
Other names: c.2284G>A, p.Ala762Thr (NM_001146009.1); c.*320G>A (NM_001146008.2); short protein forms A817T, A762T.
Identifiers: ClinVar variation 3669714 (VCV003669714.2).

ClinVar aggregate classification (germline): Uncertain significance (1 of 4 stars; one submission).

Submission:

Labcorp Genetics (formerly Invitae), Labcorp
Classification: Uncertain significance. Last evaluated: 2024-12-09. Review status: criteria provided, single submitter. Criteria: Invitae Variant Classification Sherloc (09022015). Collection method: clinical testing. Allele origin: germline.
Comment: This sequence change replaces alanine, which is neutral and non-polar, with threonine, which is neutral and polar, at codon 817 of the SLCO5A1 protein (p.Ala817Thr). This variant is present in population databases (rs772735964, gnomAD 0.006%). This variant has not been reported in the literature in individuals affected with SLCO5A1-related conditions. An algorithm developed to predict the effect of missense changes on protein structure and function outputs the following: PolyPhen-2: "Benign". The threonine amino acid residue is found in multiple mammalian species, which suggests that this missense change does not adversely affect protein function. In summary, the available evidence is currently insufficient to determine the role of this variant in disease. Therefore, it has been classified as a Variant of Uncertain Significance.